The following is an entry in ClinVar:

NM_006390.4(IPO8):c.776G>A (p.Trp259Ter)

Gene: IPO8 (importin 8; minus strand). Cytogenetic location: 12p11.21.
Variant type: single nucleotide variant.
Coding change: c.776G>A on transcript NM_006390.4 (MANE Select); coding-DNA position 776, G replaced by A.
Protein change: p.Trp259Ter; replaces tryptophan 259 with a stop codon.
Molecular consequence: nonsense.
Genome position (GRCh38, 1-based): chr12:30,674,707, C>T on the plus strand (G>A on the coding strand, the complement: IPO8 is on the minus strand). VCF-style: chr12-30674707-C-T. GRCh37 (hg19) VCF-style: chr12-30827641-C-T.
Other names: c.161G>A, p.Trp54Ter (NM_001190995.2); short protein forms W259*, W54*.
Identifiers: ClinVar variation 1047913 (VCV001047913.6), dbSNP rs2136163716, ClinGen allele CA384230171.

ClinVar aggregate classification (germline): Pathogenic. Review status: criteria provided, multiple submitters, no conflicts (2 of 4 stars). 3 submissions from 3 submitters: Pathogenic (2). 1 of the submissions does not count toward it. Last evaluated 2024-04-04.

Conditions:
IPO8-related aortopathy.
VISS syndrome. Also called: VASCULAR ANEURYSM, IMMUNE DYSREGULATION, SKELETAL ANOMALIES, AND SKIN AND JOINT LAXITY. Identifiers: MedGen C5561955, MONDO:0859177, OMIM 619472.

Submissions (3):

Genomic Medicine Center of Excellence, King Faisal Specialist Hospital and Research Centre
Classification: Pathogenic for VISS syndrome. Last evaluated: 2024-04-04. Review status: criteria provided, single submitter. Criteria: ACMG Guidelines, 2015. Collection method: clinical testing. Allele origin: germline.

Centre of Medical Genetics, University of Antwerp
Classification: Pathogenic for IPO8-related aortopathy. Last evaluated: 2021-03-18. Review status: criteria provided, single submitter. Criteria: ACMG Guidelines, 2015. Collection method: research. Allele origin: germline. Affected: yes.
Comment: PVS1, PM2, PM3

OMIM
Classification: Pathogenic for VISS SYNDROME. Last evaluated: 2021-08-12. Review status: no assertion criteria provided. Collection method: literature only. Allele origin: germline. Not counted in ClinVar's aggregate classification.

Literature cited by the submitters: PubMed 34010605 (cited by Centre of Medical Genetics, University of Antwerp and OMIM); PubMed 33875846 (cited by OMIM).